The following is an entry in ClinVar:

NM_001374353.1(GLI2):c.1173G>A (p.Ala391=)

Gene: GLI2 (GLI family zinc finger 2; plus strand). Cytogenetic location: 2q14.2.
Variant type: single nucleotide variant.
Coding change: c.1173G>A on transcript NM_001374353.1 (MANE Select); coding-DNA position 1173, G replaced by A.
Protein change: p.Ala391=; no amino-acid change (alanine 391 retained).
Molecular consequence: synonymous variant.
Genome position (GRCh38, 1-based): chr2:120,972,054, G>A. VCF-style: chr2-120972054-G-A. GRCh37 (hg19) VCF-style: chr2-121729630-G-A.
Other names: c.1173G>A, p.Ala391= (NM_001371271.1, NM_005270.5); c.798G>A, p.Ala266= (NM_001374354.1).
Identifiers: ClinVar variation 330969 (VCV000330969.8), dbSNP rs144819008, ClinGen allele CA1851794.
Genomic context (GRCh38, chr2:120,972,054, plus strand): 5'-TCACAAGCGCAGCAAGGTCAAGACCGAGCCTGAGGGCCTGCGGCCGGCCTCCCCTCTGGC[G>A]CTGACGCAGGTAACCTGCTGCCAGCCGCACCACCTTCCTCCAGCTAGGACCAGGCTTGTG-3'
Protein context (NP_001361282.1, residues 381-401): PEGLRPASPL[Ala391=]LTQEQLADLK

ClinVar aggregate classification (germline): Likely benign. Review status: criteria provided, multiple submitters, no conflicts (2 of 4 stars). 3 submissions from 3 submitters: Likely benign (2). 1 of the submissions does not count toward it. Last evaluated 2025-11-26.

Conditions:
Holoprosencephaly 9 (HPE9). Also called: PITUITARY ANOMALIES WITH HOLOPROSENCEPHALY-LIKE FEATURES; HOLOPROSENCEPHALY WITH MICROPHTHALMIA AND FIRST BRANCHIAL ARCH ANOMALIES. Identifiers: Orphanet 2162, MedGen C1835819, MONDO:0012563, OMIM 610829.
Postaxial polydactyly-anterior pituitary anomalies-facial dysmorphism syndrome. Also called: Culler-Jones syndrome. Identifiers: Orphanet 420584, MedGen C4014479, MONDO:0014369, OMIM 615849.
GLI2-related disorder. Also called: GLI2-related disorders; GLI2-related condition.

Allele frequency attached by ClinVar (database versions not stated): ExAC 0.00006; ESP Exome Variant Server 0.00008; gnomAD 0.00008 and 0.00009; TOPMed 0.00009; 1000 Genomes Project 30x 0.00016; 1000 Genomes Project 0.00020.
gnomAD v4.1: 65 of 1,613,148 alleles (0.004%); highest among the groups gnomAD compares: East Asian, 0.022%; no homozygotes.

Submissions (3):

Labcorp Genetics (formerly Invitae), Labcorp
Classification: Likely benign for Postaxial polydactyly-anterior pituitary anomalies-facial dysmorphism syndrome; Holoprosencephaly 9. Last evaluated: 2025-11-26. Review status: criteria provided, single submitter. Criteria: Invitae Variant Classification Sherloc (09022015). Collection method: clinical testing. Allele origin: germline.

Illumina Laboratory Services, Illumina
Classification: Likely benign for Holoprosencephaly 9. Last evaluated: 2018-01-13. Review status: criteria provided, single submitter. Criteria: ICSL Variant Classification Criteria 13 December 2019. Collection method: clinical testing. Allele origin: germline.
Comment: This variant was observed in the ICSL laboratory as part of a predisposition screen in an ostensibly healthy population. It had not been previously curated by ICSL or reported in the Human Gene Mutation Database (HGMD: prior to June 1st, 2018), and was therefore a candidate for classification through an automated scoring system. Utilizing variant allele frequency, disease prevalence and penetrance estimates, and inheritance mode, an automated score was calculated to assess if this variant is too frequent to cause the disease. Based on the score and internal cut-off values, a variant classified as likely benign is not then subjected to further curation. The score for this variant resulted in a classification of likely benign for this disease.

PreventionGenetics, part of Exact Sciences
Classification: Likely benign for GLI2-related condition. Last evaluated: 2019-05-28. Review status: no assertion criteria provided. Collection method: clinical testing. Allele origin: germline. Not counted in ClinVar's aggregate classification.
Comment: This variant is classified as likely benign based on ACMG/AMP sequence variant interpretation guidelines (Richards et al. 2015 PMID: 25741868, with internal and published modifications).